The following is an entry in ClinVar:

NM_001029896.2(WDR45):c.922_928del (p.Cys308fs)

Gene: WDR45 (WD repeat domain 45; minus strand). Cytogenetic location: Xp11.23.
Variant type: Deletion.
Coding change: c.922_928del on transcript NM_001029896.2 (MANE Select); coding-DNA positions 922 to 928, 7 bases deleted (TGCATCT; older notation c.922_928delTGCATCT).
Protein change: p.Cys308fs; shifts the reading frame from cysteine 308.
Molecular consequence: frameshift variant.
Genome position (GRCh38, 1-based): chrX:49,075,181-49,075,187, AGATGCA deleted on the plus strand (TGCATCT on the coding strand, the reverse complement: WDR45 is on the minus strand); deleting any 7 consecutive bases within chrX:49,075,181-49,075,189 gives the same sequence; the c. name uses the placement nearest the transcript's 3' end. VCF-style (leftmost placement, unchanged base first): chrX-49075180-CAGATGCA-C. GRCh37 (hg19) VCF-style: chrX-48932839-CAGATGCA-C.
Other names: c.925_931del, p.Cys309fs (NM_007075.4); short protein forms C309fs, C308fs.
Identifiers: ClinVar variation 2044157 (VCV002044157.4), dbSNP rs2520260205, ClinGen allele CA2580101087.
Genomic context (GRCh38, chrX:49,075,180, plus strand): 5'-GGCTGTTCCCACTCACCAATGACAGAGTTGACGTTCTTGGAAGTATTGCGACCGAAGGCG[CAGATGCA>C]AGCTGACTCAGCAGGCACAGTGAAGCTCGCCAGGCTCCACTGAGAGTCCACGTACTGCCC-3'

ClinVar aggregate classification (germline): Pathogenic (1 of 4 stars; one submission).

Conditions:
Neurodegeneration with brain iron accumulation 5 (NBIA5). Also called: STATIC ENCEPHALOPATHY OF CHILDHOOD WITH NEURODEGENERATION IN ADULTHOOD; Beta-propeller protein-associated neurodegeneration. Identifiers: Orphanet 329284, MedGen C3550973, MONDO:0010476, OMIM 300894.

Submission:

Labcorp Genetics (formerly Invitae), Labcorp
Classification: Pathogenic for Neurodegeneration with brain iron accumulation 5. Last evaluated: 2021-12-16. Review status: criteria provided, single submitter. Criteria: Invitae Variant Classification Sherloc (09022015). Collection method: clinical testing. Allele origin: germline.
Comment: For these reasons, this variant has been classified as Pathogenic. This sequence change creates a premature translational stop signal (p.Cys309Alafs*19) in the WDR45 gene. While this is not anticipated to result in nonsense mediated decay, it is expected to disrupt the last 53 amino acid(s) of the WDR45 protein. This variant is not present in population databases (gnomAD no frequency). This variant has not been reported in the literature in individuals affected with WDR45-related conditions. This variant disrupts a region of the WDR45 protein in which other variant(s) (p.Glu347Glyfs*7) have been determined to be pathogenic (PMID: 31332960). This suggests that this is a clinically significant region of the protein, and that variants that disrupt it are likely to be disease-causing.

Literature cited by the submitters: PubMed 31332960.